The following is an entry in ClinVar:

NM_025216.3(WNT10A):c.670T>C (p.Phe224Leu)

Gene: WNT10A (Wnt family member 10A; plus strand). Cytogenetic location: 2q35.
Variant type: single nucleotide variant.
Coding change: c.670T>C on transcript NM_025216.3 (MANE Select); coding-DNA position 670, T replaced by C.
Protein change: p.Phe224Leu; replaces phenylalanine 224 with leucine.
Molecular consequence: missense variant.
Genome position (GRCh38, 1-based): chr2:218,890,277, T>C. VCF-style: chr2-218890277-T-C. GRCh37 (hg19) VCF-style: chr2-219754999-T-C.
Other names: short protein forms F224L.
Identifiers: ClinVar variation 1444518 (VCV001444518.5), dbSNP rs749857233, ClinGen allele CA2113996.
Genomic context (GRCh38, chr2:218,890,277, plus strand): 5'-GGCCTGCAGGACTCCTGGGAGTGGGGCGGCTGCAGCCCCGACATGGGCTTCGGGGAGCGC[T>C]TTTCTAAGGACTTTCTGGACTCCCGGGAGCCTCACAGAGACATCCACGCGAGAATGAGGC-3'
Protein context (NP_079492.2, residues 214-234): CSPDMGFGER[Phe224Leu]SKDFLDSREP

ClinVar aggregate classification (germline): Uncertain significance (1 of 4 stars; one submission).

Conditions:
Odonto-onycho-dermal dysplasia. Identifiers: Orphanet 2721, MedGen C0796093, MONDO:0009773, OMIM 257980.
Tooth agenesis, selective, 4 (STHAG4). Also called: SUCCEDANEOUS TEETH, AGENESIS OF; TOOTH AGENESIS, SELECTIVE, 4, WITH OR WITHOUT ECTODERMAL DYSPLASIA; LATERAL INCISORS, ABSENCE OF; LATERAL INCISORS, PEGGED OR MISSING. Identifiers: Orphanet 99798, MedGen C1835492, MONDO:0007881, OMIM 150400. Disease mechanism: loss of function.

Allele frequency attached by ClinVar (database versions not stated): gnomAD exomes below 0.00001 and 0.00001; gnomAD 0.00001; ExAC 0.00002; TOPMed 0.00002.
gnomAD v4.1: 8 of 1,610,280 alleles (0.0005%); highest among the groups gnomAD compares: African/African-American, 0.0093%; no homozygotes.

Submission:

Labcorp Genetics (formerly Invitae), Labcorp
Classification: Uncertain significance for Tooth agenesis, selective, 4; Odonto-onycho-dermal dysplasia. Last evaluated: 2021-08-20. Review status: criteria provided, single submitter. Criteria: Invitae Variant Classification Sherloc (09022015). Collection method: clinical testing. Allele origin: germline.
Comment: This sequence change replaces phenylalanine with leucine at codon 224 of the WNT10A protein (p.Phe224Leu). The phenylalanine residue is highly conserved and there is a small physicochemical difference between phenylalanine and leucine. This variant is present in population databases (rs749857233, ExAC 0.02%). This missense change has been observed in individual(s) with oligodontia (Invitae). Algorithms developed to predict the effect of missense changes on protein structure and function are either unavailable or do not agree on the potential impact of this missense change (SIFT: "Deleterious"; PolyPhen-2: "Possibly Damaging"; Align-GVGD: "Class C0"). In summary, the available evidence is currently insufficient to determine the role of this variant in disease. Therefore, it has been classified as a Variant of Uncertain Significance.